The following is an entry in ClinVar:

NM_004278.4(PIGL):c.337G>T (p.Asp113Tyr)

Gene: PIGL (phosphatidylinositol glycan anchor biosynthesis class L; plus strand). Cytogenetic location: 17p11.2.
Variant type: single nucleotide variant.
Coding change: c.337G>T on transcript NM_004278.4 (MANE Select); coding-DNA position 337, G replaced by T.
Protein change: p.Asp113Tyr; replaces aspartic acid 113 with tyrosine.
Molecular consequence: missense variant.
Genome position (GRCh38, 1-based): chr17:16,299,889, G>T. VCF-style: chr17-16299889-G-T. GRCh37 (hg19) VCF-style: chr17-16203203-G-T.
Other names: short protein forms D113Y.
Identifiers: ClinVar variation 159703 (VCV000159703.22), dbSNP rs114670807, ClinGen allele CA173154.

ClinVar aggregate classification (germline): Conflicting classifications of pathogenicity. Review status: criteria provided, conflicting classifications (1 of 4 stars). 6 submissions from 6 submitters: Uncertain significance (3); Likely benign (2). 1 of the submissions does not count toward it. Last evaluated 2025-07-28.

Conditions:
PIGL-related disorder. Also called: PIGL-related condition.
CHIME syndrome (CHIME). Also called: GLYCOSYLPHOSPHATIDYLINOSITOL BIOSYNTHESIS DEFECT 5; COLOBOMA, CONGENITAL HEART DISEASE, ICHTHYOSIFORM DERMATOSIS, IMPAIRED INTELLECTUAL DEVELOPMENT, AND EAR ANOMALIES SYNDROME. Identifiers: Orphanet 3474, MedGen C1848392, MONDO:0010221, OMIM 280000.

Allele frequency attached by ClinVar (database versions not stated): gnomAD 0.00083 and 0.00086; 1000 Genomes Project 30x 0.00094; ExAC 0.00095; gnomAD exomes 0.00096 and 0.00108; 1000 Genomes Project 0.00100; ESP Exome Variant Server 0.00069; TOPMed 0.00071.

Submissions (7):

Labcorp Genetics (formerly Invitae), Labcorp
Classification: Likely benign. Last evaluated: 2025-07-28. Review status: criteria provided, single submitter. Criteria: Invitae Variant Classification Sherloc (09022015). Collection method: clinical testing. Allele origin: germline.

Blueprint Genetics
Classification: Likely benign. Last evaluated: 2024-11-25. Review status: criteria provided, single submitter. Criteria: ACMG Guidelines, 2015. Collection method: clinical testing. Allele origin: germline.

Fulgent Genetics
Classification: Uncertain significance for CHIME syndrome. Last evaluated: 2018-10-31. Review status: criteria provided, single submitter. Criteria: ACMG Guidelines, 2015. Collection method: clinical testing. Allele origin: unknown.

Illumina Laboratory Services, Illumina
Classification: Uncertain significance for CHIME syndrome. Last evaluated: 2018-01-12. Review status: criteria provided, single submitter. Criteria: ICSL Variant Classification Criteria 13 December 2019. Collection method: clinical testing. Allele origin: germline.

Genetic Services Laboratory, University of Chicago
Classification: Uncertain significance for CHIME syndrome. Last evaluated: 2013-02-08. Review status: criteria provided, single submitter. Criteria: ACMG Guidelines, 2007. Collection method: clinical testing. Allele origin: germline. Inheritance: Autosomal recessive inheritance.

PreventionGenetics, part of Exact Sciences
Classification: Likely benign for PIGL-related condition. Last evaluated: 2022-08-01. Review status: no assertion criteria provided. Collection method: clinical testing. Allele origin: germline. Not counted in ClinVar's aggregate classification.
Comment: This variant is classified as likely benign based on ACMG/AMP sequence variant interpretation guidelines (Richards et al. 2015 PMID: 25741868, with internal and published modifications).

Dr. Peter K. Rogan Lab, Western University
No classification provided (evidence only). Condition: Nonpapillary renal cell carcinoma. Review status: no classification provided. Collection method: in vitro. Allele origin: not applicable. Functional consequence: retained intron. Not counted in ClinVar's aggregate classification.